The following is an entry in ClinVar:

NM_001848.3(COL6A1):c.2440A>C (p.Lys814Gln)

Gene: COL6A1 (collagen type VI alpha 1 chain; plus strand). Cytogenetic location: 21q22.3.
Variant type: single nucleotide variant.
Coding change: c.2440A>C on transcript NM_001848.3 (MANE Select); coding-DNA position 2440, A replaced by C.
Protein change: p.Lys814Gln; replaces lysine 814 with glutamine.
Molecular consequence: missense variant.
Genome position (GRCh38, 1-based): chr21:46,003,125, A>C. VCF-style: chr21-46003125-A-C. GRCh37 (hg19) VCF-style: chr21-47423039-A-C.
Other names: short protein forms K814Q.
Identifiers: ClinVar variation 1349535 (VCV001349535.6), dbSNP rs2123491909, ClinGen allele CA410538592.

ClinVar aggregate classification (germline): Uncertain significance (1 of 4 stars; one submission).

Conditions:
Bethlem myopathy 1A. Also called: MYOPATHY, BENIGN CONGENITAL, WITH CONTRACTURES; Bethlem Muscular Dystrophy; Bethlem myopathy 1. Identifiers: Orphanet 610, MedGen CN029274, MONDO:0024530, OMIM 158810.

Submission:

Labcorp Genetics (formerly Invitae), Labcorp
Classification: Uncertain significance for Bethlem myopathy 1A. Last evaluated: 2022-08-16. Review status: criteria provided, single submitter. Criteria: Invitae Variant Classification Sherloc (09022015). Collection method: clinical testing. Allele origin: germline.
Comment: ClinVar contains an entry for this variant (Variation ID: 1349535). This sequence change replaces lysine, which is basic and polar, with glutamine, which is neutral and polar, at codon 814 of the COL6A1 protein (p.Lys814Gln). This variant is not present in population databases (gnomAD no frequency). This variant has not been reported in the literature in individuals affected with COL6A1-related conditions. Advanced modeling of protein sequence and biophysical properties (such as structural, functional, and spatial information, amino acid conservation, physicochemical variation, residue mobility, and thermodynamic stability) performed at Invitae indicates that this missense variant is not expected to disrupt COL6A1 protein function. In summary, the available evidence is currently insufficient to determine the role of this variant in disease. Therefore, it has been classified as a Variant of Uncertain Significance.